The following is an entry in ClinVar:

ClinVar aggregate classification (germline): Likely pathogenic (1 of 4 stars; one submission).

Conditions:
Hypertrophic cardiomyopathy 1 (CMH1). Also called: Familial hypertrophic cardiomyopathy 1; MYH7-Related Familial Hypertrophic Cardiomyopathy. Identifiers: MedGen C3495498, MONDO:0008647, OMIM 192600.

Submission:

Institute of Human Genetics, University of Leipzig Medical Center
Classification: Likely pathogenic for Hypertrophic cardiomyopathy 1. Last evaluated: 2025-03-04. Review status: criteria provided, single submitter. Criteria: ACMG Guidelines, 2015. Collection method: clinical testing. Allele origin: unknown. Inheritance: Autosomal dominant inheritance. Affected: yes.
Comment: Criteria applied: PM2,PM5_SUP,PP3

NM_000257.4(MYH7):c.4793A>T (p.Gln1598Leu)

Genes: MHRT (myosin heavy chain associated RNA transcript; plus strand), MYH7 (myosin heavy chain 7; minus strand), LOC126861897 (BRD4-independent group 4 enhancer GRCh37_chr14:23884455-23885654; plus strand). Cytogenetic location: 14q11.2.
Variant type: single nucleotide variant.
Coding change: c.4793A>T on transcript NM_000257.4 (MANE Select); coding-DNA position 4793, A replaced by T.
Protein change: p.Gln1598Leu; replaces glutamine 1598 with leucine.
Molecular consequence: missense variant. On other transcripts: non-coding transcript variant (1).
Genome position (GRCh38, 1-based): chr14:23,416,164, T>A on the plus strand (A>T on the coding strand, the complement: MYH7 is on the minus strand). VCF-style: chr14-23416164-T-A. GRCh37 (hg19) VCF-style: chr14-23885373-T-A.
Other names: c.4793A>T, p.Gln1598Leu (NM_001407004.1); short protein forms Q1598L.
Identifiers: ClinVar variation 3773698 (VCV003773698.2).